The following is an entry in ClinVar:

ClinVar aggregate classification (germline): Uncertain significance. Review status: criteria provided, multiple submitters, no conflicts (2 of 4 stars). 3 submissions from 3 submitters: Uncertain significance (3). Last evaluated 2024-07-09.

Conditions:
Inborn genetic diseases. Identifiers: MedGen C0950123, MeSH D030342.
Autosomal dominant Parkinson disease 8. Also called: Parkinson disease 8, susceptibility to; LRRK2-Related Parkinson Disease; Parkinson disease 8. Identifiers: Orphanet 411602, MedGen C1846862, MONDO:0011764, OMIM 607060.

gnomAD v4.1: 3 of 1,595,658 alleles (0.00019%); highest among the groups gnomAD compares: South Asian, 0.0011%; no homozygotes.

Submissions (3):

Ambry Genetics
Classification: Uncertain significance for Inborn genetic diseases. Last evaluated: 2024-07-09. Review status: criteria provided, single submitter. Criteria: Ambry Variant Classification Scheme 2023. Collection method: clinical testing. Allele origin: germline.
Comment: The p.G900A variant (also known as c.2699G>C), located in coding exon 21 of the LRRK2 gene, results from a G to C substitution at nucleotide position 2699. The glycine at codon 900 is replaced by alanine, an amino acid with similar properties. This amino acid position is conserved. In addition, this alteration is predicted to be tolerated by in silico analysis. Based on the available evidence, the clinical significance of this variant remains unclear.

Labcorp Genetics (formerly Invitae), Labcorp
Classification: Uncertain significance for Autosomal dominant Parkinson disease 8. Last evaluated: 2024-02-23. Review status: criteria provided, single submitter. Criteria: Invitae Variant Classification Sherloc (09022015). Collection method: clinical testing. Allele origin: germline.
Comment: This sequence change replaces glycine, which is neutral and non-polar, with alanine, which is neutral and non-polar, at codon 900 of the LRRK2 protein (p.Gly900Ala). This variant is not present in population databases (gnomAD no frequency). This variant has not been reported in the literature in individuals affected with LRRK2-related conditions. ClinVar contains an entry for this variant (Variation ID: 1675487). Advanced modeling of protein sequence and biophysical properties (such as structural, functional, and spatial information, amino acid conservation, physicochemical variation, residue mobility, and thermodynamic stability) performed at Invitae indicates that this missense variant is not expected to disrupt LRRK2 protein function with a negative predictive value of 80%. In summary, the available evidence is currently insufficient to determine the role of this variant in disease. Therefore, it has been classified as a Variant of Uncertain Significance.

CeGaT Center for Human Genetics Tuebingen
Classification: Uncertain significance. Last evaluated: 2022-01-01. Review status: criteria provided, single submitter. Criteria: CeGaT Center For Human Genetics Tuebingen Variant Classification Criteria Version 2. Collection method: clinical testing. Allele origin: germline. Affected: yes. Observed: 1 variant allele.

NM_198578.4(LRRK2):c.2699G>C (p.Gly900Ala)

Gene: LRRK2 (leucine rich repeat kinase 2; plus strand). Cytogenetic location: 12q12.
Variant type: single nucleotide variant.
Coding change: c.2699G>C on transcript NM_198578.4 (MANE Select); coding-DNA position 2699, G replaced by C.
Protein change: p.Gly900Ala; replaces glycine 900 with alanine.
Molecular consequence: missense variant.
Genome position (GRCh38, 1-based): chr12:40,293,554, G>C. VCF-style: chr12-40293554-G-C. GRCh37 (hg19) VCF-style: chr12-40687356-G-C.
Other names: c.2699G>C (NM_198578.3); short protein forms G900A.
Identifiers: ClinVar variation 1675487 (VCV001675487.39), dbSNP rs2136706126, ClinGen allele CA384410614.
Genomic context (GRCh38, chr12:40,293,554, plus strand): 5'-GAGTAAGCTTTTTGTATTCACCTTCATGTTATTTTATCATTTTCAAAATAGGAAGTGAAG[G>C]CTCATTTCTTGTGAAAAAGAAATCTAATTCAATTAGTGTAGGAGAATTTTACCGAGATGC-3'
Protein context (NP_940980.4, residues 890-910): SDDLDSEGSE[Gly900Ala]SFLVKKKSNS